The following is an entry in ClinVar:

ClinVar aggregate classification (germline): Uncertain significance (1 of 4 stars; one submission).

Submission:

Labcorp Genetics (formerly Invitae), Labcorp
Classification: Uncertain significance. Last evaluated: 2022-12-14. Review status: criteria provided, single submitter. Criteria: Invitae Variant Classification Sherloc (09022015). Collection method: clinical testing. Allele origin: germline.
Comment: This sequence change creates a premature translational stop signal (p.Gly132Ilefs*29) in the HOXB13 gene. It is expected to result in an absent or disrupted protein product. However, the current clinical and genetic evidence is not sufficient to establish whether loss-of-function variants in HOXB13 cause disease. This variant is not present in population databases (gnomAD no frequency). This variant has not been reported in the literature in individuals affected with HOXB13-related conditions. ClinVar contains an entry for this variant (Variation ID: 955380). In summary, the available evidence is currently insufficient to determine the role of this variant in disease. Therefore, it has been classified as a Variant of Uncertain Significance.

NM_006361.6(HOXB13):c.394_395del (p.Gly132fs)

Gene: HOXB13 (homeobox B13; minus strand). Cytogenetic location: 17q21.32.
Variant type: Deletion.
Coding change: c.394_395del on transcript NM_006361.6 (MANE Select); coding-DNA positions 394 to 395, 2 bases deleted (GG; older notation c.394_395delGG).
Protein change: p.Gly132fs; shifts the reading frame from glycine 132.
Molecular consequence: frameshift variant.
Genome position (GRCh38, 1-based): chr17:48,728,199-48,728,200, CC deleted on the plus strand (GG on the coding strand, the reverse complement: HOXB13 is on the minus strand); deleting any 2 consecutive bases within chr17:48,728,199-48,728,201 gives the same sequence; the c. name uses the placement nearest the transcript's 3' end. VCF-style (leftmost placement, unchanged base first): chr17-48728198-TCC-T. GRCh37 (hg19) VCF-style: chr17-46805560-TCC-T.
Other names: short protein forms G132fs.
Identifiers: ClinVar variation 955380 (VCV000955380.7), dbSNP rs2038234096, ClinGen allele CA1139665680.